The following is an entry in ClinVar:

NM_015015.3(KDM4B):c.2096C>T (p.Thr699Ile)

Gene: KDM4B (lysine demethylase 4B; plus strand). Cytogenetic location: 19p13.3.
Variant type: single nucleotide variant.
Coding change: c.2096C>T on transcript NM_015015.3 (MANE Select); coding-DNA position 2096, C replaced by T.
Protein change: p.Thr699Ile; replaces threonine 699 with isoleucine.
Molecular consequence: missense variant.
Genome position (GRCh38, 1-based): chr19:5,135,349, C>T. VCF-style: chr19-5135349-C-T. GRCh37 (hg19) VCF-style: chr19-5135360-C-T.
Other names: short protein forms T699I.
Identifiers: ClinVar variation 1509832 (VCV001509832.8), dbSNP rs2146074203, ClinGen allele CA403502463.
Genomic context (GRCh38, chr19:5,135,349, plus strand): 5'-GCCTGCCCCACACATGGCTCTGTCCCCTGAAGGTCGCCTCTCCCCTACAGGCCCTACAGA[C>T]TGAGAAGGAGGCACCCATAGCCTCCCTCGGAGAGGGCTGCCCGGCCACATTACCCTCCAA-3'
Protein context (NP_055830.1, residues 689-709): LFYPYCQALQ[Thr699Ile]EKEAPIASLG

ClinVar aggregate classification (germline): Uncertain significance (1 of 4 stars; one submission).

Submission:

Labcorp Genetics (formerly Invitae), Labcorp
Classification: Uncertain significance. Last evaluated: 2021-02-14. Review status: criteria provided, single submitter. Criteria: Invitae Variant Classification Sherloc (09022015). Collection method: clinical testing. Allele origin: germline.
Comment: This sequence change replaces threonine with isoleucine at codon 699 of the KDM4B protein (p.Thr699Ile). The threonine residue is moderately conserved and there is a moderate physicochemical difference between threonine and isoleucine. In summary, the available evidence is currently insufficient to determine the role of this variant in disease. Therefore, it has been classified as a Variant of Uncertain Significance. Algorithms developed to predict the effect of missense changes on protein structure and function are either unavailable or do not agree on the potential impact of this missense change (SIFT: "Deleterious"; PolyPhen-2: "Benign"; Align-GVGD: "Class C0"). This variant has not been reported in the literature in individuals with KDM4B-related conditions. This variant is not present in population databases (ExAC no frequency).